The following is an entry in ClinVar:

NM_001113378.2(FANCI):c.1000G>T (p.Val334Phe)

Gene: FANCI (FA complementation group I; plus strand). Cytogenetic location: 15q26.1.
Variant type: single nucleotide variant.
Coding change: c.1000G>T on transcript NM_001113378.2 (MANE Select); coding-DNA position 1000, G replaced by T.
Protein change: p.Val334Phe; replaces valine 334 with phenylalanine.
Molecular consequence: missense variant.
Genome position (GRCh38, 1-based): chr15:89,274,192, G>T. VCF-style: chr15-89274192-G-T. GRCh37 (hg19) VCF-style: chr15-89817423-G-T.
Other names: c.721G>T, p.Val241Phe (NM_001376910.1); c.1000G>T, p.Val334Phe (NM_001376911.1, NM_018193.3); short protein forms V241F, V334F.
Identifiers: ClinVar variation 1338092 (VCV001338092.4), dbSNP rs2151452365, ClinGen allele CA393741548.

ClinVar aggregate classification (germline): Uncertain significance (1 of 4 stars; one submission).

Submission:

Genetic Services Laboratory, University of Chicago
Classification: Uncertain significance. Last evaluated: 2021-10-05. Review status: criteria provided, single submitter. Criteria: ACMG Guidelines, 2015. Collection method: clinical testing. Allele origin: germline. Affected: no.
Comment: This sequence change does not appear to have been previously described in individuals with FANCI-related disorders and has also not been described in the population databases such as ExAC and gnomAD. The p.Val334Phe change affects a moderately conserved amino acid residue located in a domain of the FANCI protein that is not known to be functional. In-silico pathogenicity prediction tools (SIFT, PolyPhen2, Align GVGD, REVEL) provide contradictory results for the p.Val334Phe substitution. Due to insufficient evidence and the lack of functional studies, the clinical significance of the p.Val334Phe change remains unknown at this time.